The following is an entry in ClinVar:

ClinVar aggregate classification (germline): Uncertain significance. Review status: criteria provided, multiple submitters, no conflicts (2 of 4 stars). 4 submissions from 4 submitters: Uncertain significance (4). Last evaluated 2023-11-15.

Conditions:
Inborn genetic diseases. Identifiers: MedGen C0950123, MeSH D030342.

Allele frequency attached by ClinVar (database versions not stated): gnomAD 0.00007; gnomAD exomes 0.00007; TOPMed 0.00008.
gnomAD v4.1: 105 of 1,536,574 alleles (0.0068%); highest among the groups gnomAD compares: Non-Finnish European, 0.0086%; no homozygotes.

Submissions (4):

Mayo Clinic Laboratories, Mayo Clinic
Classification: Uncertain significance. Last evaluated: 2023-11-15. Review status: criteria provided, single submitter. Criteria: ACMG Guidelines, 2015. Collection method: clinical testing. Allele origin: germline. Observed: 1 variant allele.

Ambry Genetics
Classification: Uncertain significance for Inborn genetic diseases. Last evaluated: 2022-11-21. Review status: criteria provided, single submitter. Criteria: Ambry Variant Classification Scheme 2023. Collection method: clinical testing. Allele origin: germline.

Labcorp Genetics (formerly Invitae), Labcorp
Classification: Uncertain significance. Last evaluated: 2022-07-05. Review status: criteria provided, single submitter. Criteria: Invitae Variant Classification Sherloc (09022015). Collection method: clinical testing. Allele origin: germline.
Comment: This sequence change replaces aspartic acid, which is acidic and polar, with tyrosine, which is neutral and polar, at codon 62 of the TTPA protein (p.Asp62Tyr). This variant is present in population databases (no rsID available, gnomAD 0.007%). This variant has not been reported in the literature in individuals affected with TTPA-related conditions. Algorithms developed to predict the effect of missense changes on protein structure and function are either unavailable or do not agree on the potential impact of this missense change (SIFT: "Deleterious"; PolyPhen-2: "Possibly Damaging"; Align-GVGD: "Class C0"). In summary, the available evidence is currently insufficient to determine the role of this variant in disease. Therefore, it has been classified as a Variant of Uncertain Significance.

GeneDx
Classification: Uncertain significance. Last evaluated: 2022-04-22. Review status: criteria provided, single submitter. Criteria: GeneDx Variant Classification Process June 2021. Collection method: clinical testing. Allele origin: germline. Affected: yes.
Comment: Not observed at significant frequency in large population cohorts (gnomAD); In silico analysis supports that this missense variant has a deleterious effect on protein structure/function; Has not been previously published as pathogenic or benign to our knowledge

NM_000370.3(TTPA):c.184G>T (p.Asp62Tyr)

Gene: TTPA (alpha tocopherol transfer protein; minus strand). Cytogenetic location: 8q12.3.
Variant type: single nucleotide variant.
Coding change: c.184G>T on transcript NM_000370.3 (MANE Select); coding-DNA position 184, G replaced by T.
Protein change: p.Asp62Tyr; replaces aspartic acid 62 with tyrosine.
Molecular consequence: missense variant.
Genome position (GRCh38, 1-based): chr8:63,085,838, C>A on the plus strand (G>T on the coding strand, the complement: TTPA is on the minus strand). VCF-style: chr8-63085838-C-A. GRCh37 (hg19) VCF-style: chr8-63998397-C-A.
Other names: p.Asp62Tyr; short protein forms D62Y.
Identifiers: ClinVar variation 1712111 (VCV001712111.6), dbSNP rs1315324866, ClinGen allele CA371403386.